The following is an entry in ClinVar:

NM_018972.4(GDAP1):c.109T>A (p.Ser37Thr)

Genes: GDAP1 (ganglioside induced differentiation associated protein 1; plus strand), LOC130000622 (ATAC-STARR-seq lymphoblastoid active region 27542; plus strand). Cytogenetic location: 8q21.11.
Variant type: single nucleotide variant.
Coding change: c.109T>A on transcript NM_018972.4 (MANE Select); coding-DNA position 109, T replaced by A.
Protein change: p.Ser37Thr; replaces serine 37 with threonine.
Molecular consequence: missense variant. On other transcripts: 5 prime UTR variant (2), intron variant (1).
Genome position (GRCh38, 1-based): chr8:74,350,570, T>A. VCF-style: chr8-74350570-T-A. GRCh37 (hg19) VCF-style: chr8-75262805-T-A.
Other names: c.-74T>A (NM_001362929.2); c.109T>A, p.Ser37Thr (NM_001362930.2, NM_001362931.2); c.-26T>A (NM_001362932.2); c.-64+98T>A (NM_001040875.4); short protein forms S37T.
Identifiers: ClinVar variation 426898 (VCV000426898.11), dbSNP rs756121249, ClinGen allele CA4785020.

ClinVar aggregate classification (germline): Conflicting classifications of pathogenicity. Review status: criteria provided, conflicting classifications (1 of 4 stars). 3 submissions from 3 submitters: Likely pathogenic (1); Uncertain significance (2). Last evaluated 2025-07-22.

Conditions:
Inborn genetic diseases. Identifiers: MedGen C0950123, MeSH D030342.
Charcot-Marie-Tooth disease type 4A. Also called: Charcot-Marie-Tooth disease, demyelinating, autosomal recessive, type 4a. Identifiers: Orphanet 99948, MedGen C1859198, MONDO:0008961, OMIM 214400.

Allele frequency attached by ClinVar (database versions not stated): ExAC 0.00001; gnomAD exomes 0.00001.

Submissions (3):

Labcorp Genetics (formerly Invitae), Labcorp
Classification: Uncertain significance for Charcot-Marie-Tooth disease type 4A. Last evaluated: 2025-07-22. Review status: criteria provided, single submitter. Criteria: Invitae Variant Classification Sherloc (09022015). Collection method: clinical testing. Allele origin: germline.
Comment: This sequence change replaces serine, which is neutral and polar, with threonine, which is neutral and polar, at codon 37 of the GDAP1 protein (p.Ser37Thr). This variant is present in population databases (rs756121249, gnomAD 0.002%). This variant has not been reported in the literature in individuals affected with GDAP1-related conditions. ClinVar contains an entry for this variant (Variation ID: 426898). Invitae Evidence Modeling of protein sequence and biophysical properties (such as structural, functional, and spatial information, amino acid conservation, physicochemical variation, residue mobility, and thermodynamic stability) indicates that this missense variant is not expected to disrupt GDAP1 protein function with a negative predictive value of 80%. In summary, the available evidence is currently insufficient to determine the role of this variant in disease. Therefore, it has been classified as a Variant of Uncertain Significance.

Ambry Genetics
Classification: Uncertain significance for Inborn genetic diseases. Last evaluated: 2017-10-07. Review status: criteria provided, single submitter. Criteria: Ambry exome assertion method (8-5-2015). Collection method: clinical testing. Allele origin: germline. Affected: yes. Observed: 1 variant allele.

GeneDx
Classification: Likely pathogenic. Last evaluated: 2017-03-28. Review status: criteria provided, single submitter. Criteria: GeneDx Variant Classification (06012015). Collection method: clinical testing. Allele origin: germline. Affected: yes.
Comment: A variant that is likely pathogenic has been identified in the GDAP1 gene. The S37T variant has not been published as a pathogenic variant, nor has it been reported as a benign variant to our knowledge. The S37T variant is not observed at a significant frequency in large population cohorts (Lek et al., 2016; 1000 Genomes Consortium et al., 2015; Exome Variant Server). This substitution occurs at a conserved position predicted to be within the GST N-terminal domain. Missense variants at other residues in the GST domain have been reported in Human Gene Mutation Database in association with GDAP1-related disorders (Stenson et al., 2014), supporting the functional importance of this region of the protein. However, the S37T variant is a conservative amino acid substitution, which is not likely to impact secondary protein structure as these residues share similar properties. In silico analysis is inconsistent in its predictions as to whether or not the variant is damaging to the protein structure/function. Therefore, this variant is likely pathogenic; however, the possibility that it is benign cannot be excluded.